The following is an entry in ClinVar:

NM_001330078.2(NRXN1):c.2567G>A (p.Arg856Gln)

Gene: NRXN1 (neurexin 1; minus strand). Cytogenetic location: 2p16.3.
Variant type: single nucleotide variant.
Coding change: c.2567G>A on transcript NM_001330078.2 (MANE Select); coding-DNA position 2567, G replaced by A.
Protein change: p.Arg856Gln; replaces arginine 856 with glutamine.
Molecular consequence: missense variant.
Genome position (GRCh38, 1-based): chr2:50,497,645, C>T on the plus strand (G>A on the coding strand, the complement: NRXN1 is on the minus strand). VCF-style: chr2-50497645-C-T. GRCh37 (hg19) VCF-style: chr2-50724783-C-T.
Other names: c.2687G>A, p.Arg896Gln (NM_001135659.3); c.2543G>A, p.Arg848Gln (NM_001330077.2, NM_001330082.2); c.2501G>A, p.Arg834Gln (NM_001330083.2, NM_001330084.2); c.2540G>A, p.Arg847Gln (NM_001330085.2); c.2567G>A, p.Arg856Gln (NM_001330086.2, NM_004801.6); c.2456G>A, p.Arg819Gln (NM_001330087.2, NM_001330096.2); c.2486G>A, p.Arg829Gln (NM_001330088.2); c.2564G>A, p.Arg855Gln (NM_001330093.2); and 3 more; short protein forms R896Q, R855Q, R839Q, R848Q, R834Q, R852Q, R856Q, R819Q.
Identifiers: ClinVar variation 194484 (VCV000194484.13), dbSNP rs200249774, ClinGen allele CA240481.

ClinVar aggregate classification (germline): Uncertain significance. Review status: criteria provided, multiple submitters, no conflicts (2 of 4 stars). 4 submissions from 4 submitters: Uncertain significance (4). Last evaluated 2025-10-01.

Conditions:
Pitt-Hopkins-like syndrome 2 (PTHSL2). Identifiers: Orphanet 221150, Orphanet 600663, MedGen C3280479, MONDO:0013690, OMIM 614325.
NRXN1-related disorder.

Allele frequency attached by ClinVar (database versions not stated): gnomAD 0.00002 and 0.00003; TOPMed 0.00002.
gnomAD v4.1: 35 of 1,613,664 alleles (0.0022%); highest among the groups gnomAD compares: Middle Eastern, 0.033%; no homozygotes.

Submissions (4):

Labcorp Genetics (formerly Invitae), Labcorp
Classification: Uncertain significance for Pitt-Hopkins-like syndrome 2. Last evaluated: 2025-10-01. Review status: criteria provided, single submitter. Criteria: Invitae Variant Classification Sherloc (09022015). Collection method: clinical testing. Allele origin: germline.
Comment: This sequence change replaces arginine, which is basic and polar, with glutamine, which is neutral and polar, at codon 896 of the NRXN1 protein (p.Arg896Gln). This variant is present in population databases (rs200249774, gnomAD 0.004%). This variant has not been reported in the literature in individuals affected with NRXN1-related conditions. ClinVar contains an entry for this variant (Variation ID: 194484). An algorithm developed to predict the effect of missense changes on protein structure and function (PolyPhen-2) suggests that this variant is likely to be disruptive. In summary, the available evidence is currently insufficient to determine the role of this variant in disease. Therefore, it has been classified as a Variant of Uncertain Significance.

PreventionGenetics, part of Exact Sciences
Classification: Uncertain significance for NRXN1-related condition. Last evaluated: 2025-07-09. Review status: criteria provided, single submitter. Criteria: ACMG Guidelines, 2015. Collection method: clinical testing. Allele origin: germline.
Comment: The NRXN1 c.2687G>A variant is predicted to result in the amino acid substitution p.Arg896Gln. To our knowledge, this variant has not been reported in the literature. An alternate amino acid substitution at the same location (p.Arg896Trp) has been reported in individuals with neurological disorders, including epilepsy and schizophrenia (Rochtus et al. 2019. PubMed ID: 30709877; described as p.Arg856Trp in Ishizuka et al. 2020. PubMed ID: 32942984). This variant is reported in 0.0040% of alleles in individuals of European (Finnish) descent in gnomAD. At this time, the clinical significance of this variant is uncertain due to the absence of conclusive functional and genetic evidence.

GeneDx
Classification: Uncertain significance. Last evaluated: 2019-09-12. Review status: criteria provided, single submitter. Criteria: GeneDx Variant Classification Process June 2021. Collection method: clinical testing. Allele origin: germline. Affected: yes.
Comment: Has not been previously published as pathogenic or benign to our knowledge; Missense variant in a gene in which most reported pathogenic variants are truncating/loss-of-function; In silico analysis, which includes protein predictors and evolutionary conservation, supports a deleterious effect

Eurofins Ntd Llc (ga)
Classification: Uncertain significance. Last evaluated: 2014-09-17. Review status: criteria provided, single submitter. Criteria: EGL Classification Definitions 2015. Collection method: clinical testing. Allele origin: germline. Observed: 1 variant allele, 1 heterozygote.